The following is an entry in ClinVar:

NM_000122.2(ERCC3):c.583C>G (p.Arg195Gly)

Gene: ERCC3 (ERCC excision repair 3, TFIIH core complex helicase subunit; minus strand). Cytogenetic location: 2q14.3.
Variant type: single nucleotide variant.
Coding change: c.583C>G on transcript NM_000122.2 (MANE Select); coding-DNA position 583, C replaced by G.
Protein change: p.Arg195Gly; replaces arginine 195 with glycine.
Molecular consequence: missense variant.
Genome position (GRCh38, 1-based): chr2:127,289,763, G>C on the plus strand (C>G on the coding strand, the complement: ERCC3 is on the minus strand). VCF-style: chr2-127289763-G-C. GRCh37 (hg19) VCF-style: chr2-128047339-G-C.
Other names: c.391C>G, p.Arg131Gly (NM_001303416.2, NM_001303418.2); short protein forms R131G, R195G.
Identifiers: ClinVar variation 1967749 (VCV001967749.4), dbSNP rs138385061, ClinGen allele CA1858506.
Genomic context (GRCh38, chr2:127,289,763, plus strand): 5'-TGAAAGTCTCTGTGATGAGCTCAGTGGCCTCCCCTTCAGAGTTTCTTAAGCGGCATTCTC[G>C]GATCACGGGGTCCTGGAGAAGATGCTGGATTACATCAGGGTGGCAACTTTCAACGAAGTA-3'
Protein context (NP_000113.1, residues 185-205): IQHLLQDPVI[Arg195Gly]ECRLRNSEGE

ClinVar aggregate classification (germline): Uncertain significance (1 of 4 stars; one submission).

Allele frequency attached by ClinVar (database versions not stated): ESP Exome Variant Server 0.00008.
gnomAD v4.1: 25 of 1,613,946 alleles (0.0015%); highest among the groups gnomAD compares: Non-Finnish European, 0.0018%; no homozygotes.

Submission:

Labcorp Genetics (formerly Invitae), Labcorp
Classification: Uncertain significance. Last evaluated: 2024-07-29. Review status: criteria provided, single submitter. Criteria: Invitae Variant Classification Sherloc (09022015). Collection method: clinical testing. Allele origin: germline.
Comment: This sequence change replaces arginine, which is basic and polar, with glycine, which is neutral and non-polar, at codon 195 of the ERCC3 protein (p.Arg195Gly). This variant is present in population databases (rs138385061, gnomAD 0.002%). This variant has not been reported in the literature in individuals affected with ERCC3-related conditions. ClinVar contains an entry for this variant (Variation ID: 1967749). Advanced modeling of protein sequence and biophysical properties (such as structural, functional, and spatial information, amino acid conservation, physicochemical variation, residue mobility, and thermodynamic stability) performed at Invitae indicates that this missense variant is not expected to disrupt ERCC3 protein function with a negative predictive value of 80%. In summary, the available evidence is currently insufficient to determine the role of this variant in disease. Therefore, it has been classified as a Variant of Uncertain Significance.